The following is an entry in ClinVar:

ClinVar aggregate classification (germline): Conflicting classifications of pathogenicity. Review status: criteria provided, conflicting classifications (1 of 4 stars). 6 submissions from 6 submitters: Uncertain significance (4); Likely benign (2). Last evaluated 2025-12-24.

Conditions:
Arrhythmogenic cardiomyopathy with wooly hair and keratoderma. Also called: Arrhythmogenic cardiomyopathy with woolly hair and keratoderma; Carvajal syndrome; Dilated cardiomyopathy with woolly hair and keratoderma; PALMOPLANTAR KERATODERMA WITH LEFT VENTRICULAR CARDIOMYOPATHY AND WOOLLY HAIR. Identifiers: Orphanet 65282, MedGen C1854063, MONDO:0011581, OMIM 605676.
Arrhythmogenic right ventricular dysplasia 8 (ARVD8). Also called: ARRHYTHMOGENIC RIGHT VENTRICULAR DYSPLASIA, FAMILIAL, 8; ARRHYTHMOGENIC RIGHT VENTRICULAR CARDIOMYOPATHY 8; Arrhythmogenic Right Ventricular Dysplasia/Cardiomyopathy 8. Identifiers: MedGen C1843896, MONDO:0011831, OMIM 607450.
Cardiomyopathy, dilated, with wooly hair, keratoderma, and tooth agenesis. Also called: Erythrokeratodermia-cardiomyopathy syndrome; Cardiomyopathy, dilated, with woolly hair, keratoderma, and tooth agenesis. Identifiers: Orphanet 476096, Orphanet 65282, MedGen C4014393, MONDO:0014355, OMIM 615821.
Cardiovascular phenotype. Identifiers: MedGen CN230736.
Lethal acantholytic epidermolysis bullosa (EBLA). Identifiers: Orphanet 158687, MedGen C1864826, MONDO:0012323, OMIM 609638.
Keratosis palmoplantaris striata 2. Also called: KERATODERMA, PALMOPLANTAR, STRIATE FORM II; STRIATE PALMOPLANTAR KERATODERMA II; Keratosis palmoplantaris striata II. Identifiers: MedGen C1852127, MONDO:0013034, OMIM 612908.
Woolly hair-skin fragility syndrome (WHSF). Identifiers: Orphanet 293165, MedGen C1843292, MONDO:0957307, OMIM 620415.
Cardiomyopathy (CMYO). Also called: Cardiomyopathies. Identifiers: Orphanet 167848, MedGen C0878544, MONDO:0004994, HP:0001638. Inheritance: Various modes of inheritance.

Allele frequency attached by ClinVar (database versions not stated): gnomAD exomes 0.00001 and 0.00003; TOPMed 0.00001; ExAC 0.00002.
gnomAD v4.1: 14 of 1,613,944 alleles (0.00087%); highest among the groups gnomAD compares: East Asian, 0.025%; no homozygotes.

Submissions (6):

Ambry Genetics
Classification: Likely benign for Cardiovascular phenotype. Last evaluated: 2025-12-24. Review status: criteria provided, single submitter. Criteria: Ambry Variant Classification Scheme 2023. Collection method: clinical testing. Allele origin: germline.

Labcorp Genetics (formerly Invitae), Labcorp
Classification: Likely benign for Arrhythmogenic cardiomyopathy with wooly hair and keratoderma; Arrhythmogenic right ventricular dysplasia 8. Last evaluated: 2025-08-02. Review status: criteria provided, single submitter. Criteria: Invitae Variant Classification Sherloc (09022015). Collection method: clinical testing. Allele origin: germline.

All of Us Research Program, National Institutes of Health
Classification: Uncertain significance for Arrhythmogenic cardiomyopathy with wooly hair and keratoderma. Last evaluated: 2024-07-29. Review status: criteria provided, single submitter. Criteria: ACMG Guidelines, 2015. Collection method: clinical testing. Allele origin: germline. Inheritance: Autosomal dominant inheritance. Observed: 1 variant allele, 1 heterozygote.
Comment: This missense variant replaces serine with alanine at codon 442 of the DSP protein. Computational prediction suggests that this variant may not impact protein structure and function (internally defined REVEL score threshold <= 0.5, PMID: 27666373). To our knowledge, functional studies have not been reported for this variant. This variant has not been reported in individuals affected with cardiovascular disorders in the literature. This variant has been identified in 7/251310 chromosomes in the general population by the Genome Aggregation Database (gnomAD). The available evidence is insufficient to determine the role of this variant in disease conclusively. Therefore, this variant is classified as a Variant of Uncertain Significance.

This study involves interpretation of variants in research participants for the purpose of population health screening. Participant phenotype was not available at the time of variant classification. Additional details can be found in publication PMID: 35346344, PMCID: PMC8962531

Color Diagnostics, LLC DBA Color Health
Classification: Uncertain significance for Cardiomyopathy. Last evaluated: 2024-03-06. Review status: criteria provided, single submitter. Criteria: ACMG Guidelines, 2015. Collection method: clinical testing. Allele origin: germline.
Comment: This missense variant replaces serine with alanine at codon 442 of the DSP protein. Computational prediction suggests that this variant may not impact protein structure and function (internally defined REVEL score threshold <= 0.5, PMID: 27666373). To our knowledge, functional studies have not been reported for this variant. This variant has not been reported in individuals affected with cardiovascular disorders in the literature. This variant has been identified in 7/251310 chromosomes in the general population by the Genome Aggregation Database (gnomAD). The available evidence is insufficient to determine the role of this variant in disease conclusively. Therefore, this variant is classified as a Variant of Uncertain Significance.

New York Genome Center
Classification: Uncertain significance for Arrhythmogenic right ventricular dysplasia 8; Cardiomyopathy, dilated, with wooly hair, keratoderma, and tooth agenesis; Arrhythmogenic cardiomyopathy with wooly hair and keratoderma. Last evaluated: 2022-04-15. Review status: criteria provided, single submitter. Criteria: NYGC Assertion Criteria 2020. Collection method: clinical testing. Allele origin: germline. Observed: 1 heterozygote.
Comment: The c.1324T>G variant in DSP has not previously been reported in literature, but it has been deposited in ClinVar [ClinVar ID:629400] as Variant of Uncertain Significance. The c.1324T>G variant is observed in 10 alleles (~0.0017% MAF with 0 homozygotes) in population databases (gnomAD v2.1.1 and v3.1.2, TOPMed Freeze8), suggesting it is not a common benign variant in the populations represented in those databases which might include individuals with cardiac phenotypes. The c.1324T>G variant in DSP is located in exon 11 of this 24-exon gene, and predicted to replace an evolutionarily conserved serine amino acid with alanine at position442 (p.(Ser442Ala)) within the Spectrin 3a repeat region in the encoded protein. In silico predictions are not in favor of damaging effect for p.(Ser442Ala) (CADD v1.6 =23.8, REVEL = 0.206); however, there are no functional studies to support or refute these predictions. Another variant affecting the same residue (p.(Ser442Phe))residue has been reported in literature [PMID: 19095136, 28527814, 27532257, 31402444] and ClinVar [ClinVar ID:986814] in individuals with arrhythmogenic cardiomyopathy. Based on available evidence this c.1324T>G p.(Ser442Ala) variant identified in DSP is classified as a Variant of Uncertain Significance.

Fulgent Genetics
Classification: Uncertain significance for Arrhythmogenic cardiomyopathy with wooly hair and keratoderma; Arrhythmogenic right ventricular dysplasia 8; Lethal acantholytic epidermolysis bullosa; Keratosis palmoplantaris striata 2; Cardiomyopathy, dilated, with wooly hair, keratoderma, and tooth agenesis. Last evaluated: 2021-08-24. Review status: criteria provided, single submitter. Criteria: ACMG Guidelines, 2015. Collection method: clinical testing. Allele origin: unknown.

NM_004415.4(DSP):c.1324T>G (p.Ser442Ala)

Gene: DSP (desmoplakin; plus strand). Cytogenetic location: 6p24.3.
Variant type: single nucleotide variant.
Coding change: c.1324T>G on transcript NM_004415.4 (MANE Select); coding-DNA position 1324, T replaced by G.
Protein change: p.Ser442Ala; replaces serine 442 with alanine.
Molecular consequence: missense variant.
Genome position (GRCh38, 1-based): chr6:7,568,494, T>G. VCF-style: chr6-7568494-T-G. GRCh37 (hg19) VCF-style: chr6-7568727-T-G.
Other names: c.1324T>G (LRG_423t1); c.1324T>G, p.Ser442Ala (NM_001008844.3, NM_001319034.2); short protein forms S442A.
Identifiers: ClinVar variation 629400 (VCV000629400.16), dbSNP rs755492444, ClinGen allele CA027687.